The following is an entry in ClinVar:

NM_001378418.1(TCF20):c.1934A>G (p.Lys645Arg)

Gene: TCF20 (transcription factor 20; minus strand). Cytogenetic location: 22q13.2.
Variant type: single nucleotide variant.
Coding change: c.1934A>G on transcript NM_001378418.1 (MANE Select); coding-DNA position 1934, A replaced by G.
Protein change: p.Lys645Arg; replaces lysine 645 with arginine.
Molecular consequence: missense variant.
Genome position (GRCh38, 1-based): chr22:42,213,372, T>C on the plus strand (A>G on the coding strand, the complement: TCF20 is on the minus strand). VCF-style: chr22-42213372-T-C. GRCh37 (hg19) VCF-style: chr22-42609378-T-C.
Other names: c.1934A>G, p.Lys645Arg (NM_005650.4, NM_181492.3); short protein forms K645R.
Identifiers: ClinVar variation 2499757 (VCV002499757.1), dbSNP rs2518231539, ClinGen allele CA411789767.

ClinVar aggregate classification (germline): Uncertain significance (1 of 4 stars; one submission).

Allele frequency attached by ClinVar (database versions not stated): gnomAD exomes below 0.00001.
gnomAD v4.1: 1 of 1,614,226 alleles (0.000062%); highest among the groups gnomAD compares: African/African-American, 0.0013%; no homozygotes.

Submission:

GeneDx
Classification: Uncertain significance. Last evaluated: 2022-10-21. Review status: criteria provided, single submitter. Criteria: GeneDx Variant Classification Process June 2021. Collection method: clinical testing. Allele origin: germline. Affected: yes.
Comment: Not observed at significant frequency in large population cohorts (gnomAD); In silico analysis supports that this missense variant does not alter protein structure/function; Has not been previously published as pathogenic or benign to our knowledge